The following is an entry in ClinVar:

NC_000017.10:g.(?_1554096)_(1585004_?)dup

Gene: PRPF8 (pre-mRNA processing factor 8; minus strand). Cytogenetic location: 17p13.3.
Variant type: Duplication.
Identifiers: ClinVar variation 1429704 (VCV001429704.6).

ClinVar aggregate classification (germline): Uncertain significance (1 of 4 stars; one submission).

Submission:

Labcorp Genetics (formerly Invitae), Labcorp
Classification: Uncertain significance. Last evaluated: 2022-07-26. Review status: criteria provided, single submitter. Criteria: Invitae Variant Classification Sherloc (09022015). Collection method: clinical testing. Allele origin: germline.
Comment: This variant results in a copy number gain of the genomic region encompassing exon(s) 6-43 of the PRPF8 gene. This region includes the termination codon of the gene. This copy number gain extends beyond the assayed region for this gene and therefore may encompass additional genes. As the precise location of this event is unknown, it may be in tandem or it may be located elsewhere in the genome. This variant has not been reported in the literature in individuals affected with PRPF8-related conditions. In summary, the available evidence is currently insufficient to determine the role of this variant in disease. Therefore, it has been classified as a Variant of Uncertain Significance.